The following is an entry in ClinVar:

ClinVar aggregate classification (germline): Uncertain significance (1 of 4 stars; one submission).

Conditions:
PLVAP-related disorder. Also called: PLVAP-related condition.

gnomAD v4.1: 10 of 1,613,380 alleles (0.00062%); highest among the groups gnomAD compares: South Asian, 0.0011%; no homozygotes.

Submission:

PreventionGenetics, part of Exact Sciences
Classification: Uncertain significance for PLVAP-related condition. Last evaluated: 2026-05-01. Review status: criteria provided, single submitter. Criteria: ACMG Guidelines, 2015. Collection method: clinical testing. Allele origin: germline.
Comment: The PLVAP c.1181C>T variant is predicted to result in the amino acid substitution p.Ser394Leu. To our knowledge, this variant has not been reported in the literature. This variant is reported in 0.00088% of alleles in individuals of European (Non-Finnish) descent in gnomAD. At this time, the clinical significance of this variant is uncertain due to the absence of conclusive functional and genetic evidence.

NM_031310.3(PLVAP):c.1181C>T (p.Ser394Leu)

Gene: PLVAP (plasmalemma vesicle associated protein; minus strand). Cytogenetic location: 19p13.11.
Variant type: single nucleotide variant.
Coding change: c.1181C>T on transcript NM_031310.3 (MANE Select); coding-DNA position 1181, C replaced by T.
Protein change: p.Ser394Leu; replaces serine 394 with leucine.
Molecular consequence: missense variant.
Genome position (GRCh38, 1-based): chr19:17,360,831, G>A on the plus strand (C>T on the coding strand, the complement: PLVAP is on the minus strand). VCF-style: chr19-17360831-G-A. GRCh37 (hg19) VCF-style: chr19-17471640-G-A.
Other names: short protein forms S394L.
Identifiers: ClinVar variation 4988126 (VCV004988126.1).